The following is an entry in ClinVar:

NM_004385.5(VCAN):c.6127G>A (p.Glu2043Lys)

Genes: VCAN (versican; plus strand), VCAN-AS1 (VCAN antisense RNA 1; minus strand). Cytogenetic location: 5q14.3.
Variant type: single nucleotide variant.
Coding change: c.6127G>A on transcript NM_004385.5 (MANE Select); coding-DNA position 6127, G replaced by A.
Protein change: p.Glu2043Lys; replaces glutamic acid 2043 with lysine.
Molecular consequence: missense variant. On other transcripts: intron variant (2).
Genome position (GRCh38, 1-based): chr5:83,539,130, G>A. VCF-style: chr5-83539130-G-A. GRCh37 (hg19) VCF-style: chr5-82834949-G-A.
Other names: c.3166G>A, p.Glu1056Lys (NM_001164097.2); c.4004-6407G>A (NM_001164098.2); c.1043-6407G>A (NM_001126336.3); short protein forms E2043K, E1056K.
Identifiers: ClinVar variation 354432 (VCV000354432.16), dbSNP rs138937534, ClinGen allele CA3333436.

ClinVar aggregate classification (germline): Conflicting classifications of pathogenicity. Review status: criteria provided, conflicting classifications (1 of 4 stars). 5 submissions from 5 submitters: Uncertain significance (2); Benign (1); Likely benign (2). Last evaluated 2026-06-02.

Conditions:
VCAN-related disorder. Also called: VCAN-related condition.
Vitreoretinopathy. Also called: Vitreoretinal degeneration. Identifiers: MedGen C0344290, MONDO:0020248, HP:0007773.
Inborn genetic diseases. Identifiers: MedGen C0950123, MeSH D030342.

Allele frequency attached by ClinVar (database versions not stated): ExAC 0.00007; gnomAD exomes 0.00010; gnomAD 0.00014 and 0.00015; TOPMed 0.00019; ESP Exome Variant Server 0.00023.
gnomAD v4.1: 110 of 1,613,870 alleles (0.0068%); highest among the groups gnomAD compares: African/African-American, 0.035%; 1 homozygote.

Submissions (5):

PreventionGenetics, part of Exact Sciences
Classification: Likely benign for VCAN-related condition. Last evaluated: 2026-06-02. Review status: criteria provided, single submitter. Criteria: ACMG Guidelines, 2015. Collection method: clinical testing. Allele origin: germline.
Comment: This variant is classified as likely benign based on ACMG/AMP sequence variant interpretation guidelines (Richards et al. 2015 PMID: 25741868, with internal and published modifications).

Ambry Genetics
Classification: Uncertain significance for Inborn genetic diseases. Last evaluated: 2025-10-15. Review status: criteria provided, single submitter. Criteria: Ambry Variant Classification Scheme 2023. Collection method: clinical testing. Allele origin: germline.

Labcorp Genetics (formerly Invitae), Labcorp
Classification: Uncertain significance. Last evaluated: 2025-10-03. Review status: criteria provided, single submitter. Criteria: Invitae Variant Classification Sherloc (09022015). Collection method: clinical testing. Allele origin: germline.
Comment: This sequence change replaces glutamic acid, which is acidic and polar, with lysine, which is basic and polar, at codon 2043 of the VCAN protein (p.Glu2043Lys). This variant is present in population databases (rs138937534, gnomAD 0.05%), and has an allele count higher than expected for a pathogenic variant. This variant has not been reported in the literature in individuals affected with VCAN-related conditions. ClinVar contains an entry for this variant (Variation ID: 354432). An algorithm developed to predict the effect of missense changes on protein structure and function (PolyPhen-2) suggests that this variant is likely to be tolerated. In summary, the available evidence is currently insufficient to determine the role of this variant in disease. Therefore, it has been classified as a Variant of Uncertain Significance.

Blueprint Genetics
Classification: Likely benign. Last evaluated: 2024-10-23. Review status: criteria provided, single submitter. Criteria: ACMG Guidelines, 2015. Collection method: clinical testing. Allele origin: germline.

Illumina Laboratory Services, Illumina
Classification: Benign for Vitreoretinopathy. Last evaluated: 2018-01-13. Review status: criteria provided, single submitter. Criteria: ICSL Variant Classification Criteria 13 December 2019. Collection method: clinical testing. Allele origin: germline.
Comment: This variant was observed in the ICSL laboratory as part of a predisposition screen in an ostensibly healthy population. It had not been previously curated by ICSL or reported in the Human Gene Mutation Database (HGMD: prior to June 1st, 2018), and was therefore a candidate for classification through an automated scoring system. Utilizing variant allele frequency, disease prevalence and penetrance estimates, and inheritance mode, an automated score was calculated to assess if this variant is too frequent to cause the disease. Based on the score and internal cut-off values, a variant classified as benign is not then subjected to further curation. The score for this variant resulted in a classification of benign for this disease.